The following is an entry in ClinVar:

NM_003922.4(HERC1):c.14332G>A (p.Gly4778Arg)

Gene: HERC1 (HECT and RLD domain containing E3 ubiquitin protein ligase family member 1; minus strand). Cytogenetic location: 15q22.31.
Variant type: single nucleotide variant.
Coding change: c.14332G>A on transcript NM_003922.4 (MANE Select); coding-DNA position 14332, G replaced by A.
Protein change: p.Gly4778Arg; replaces glycine 4778 with arginine.
Molecular consequence: missense variant.
Genome position (GRCh38, 1-based): chr15:63,612,319, C>T on the plus strand (G>A on the coding strand, the complement: HERC1 is on the minus strand). VCF-style: chr15-63612319-C-T. GRCh37 (hg19) VCF-style: chr15-63904518-C-T.
Other names: short protein forms G4778R.
Identifiers: ClinVar variation 3364404 (VCV003364404.1).

ClinVar aggregate classification (germline): Uncertain significance (1 of 4 stars; one submission).

Submission:

GeneDx
Classification: Uncertain significance. Last evaluated: 2023-11-15. Review status: criteria provided, single submitter. Criteria: GeneDx Variant Classification Process June 2021. Collection method: clinical testing. Allele origin: germline. Affected: yes.
Comment: Not observed at significant frequency in large population cohorts (gnomAD); In silico analysis supports that this missense variant has a deleterious effect on protein structure/function; Has not been previously published as pathogenic or benign to our knowledge